The following is an entry in ClinVar:

ClinVar aggregate classification (germline): Uncertain significance (1 of 4 stars; one submission).

Conditions:
Autosomal recessive limb-girdle muscular dystrophy type 2C (LGMDR5). Also called: MUSCULAR DYSTROPHY, LIMB-GIRDLE, AUTOSOMAL RECESSIVE 5; MUSCULAR DYSTROPHY, DUCHENNE-LIKE. Identifiers: Orphanet 353, MedGen C0410173, MONDO:0009677, OMIM 253700. Disease mechanism: Affects gamma-sarcoglycan and also disrupts the integrity of the entire sarcoglycan complex..

gnomAD v4.1: 2 of 1,544,034 alleles (0.00013%); highest among the groups gnomAD compares: Non-Finnish European, 0.00018%; no homozygotes.

Submission:

Labcorp Genetics (formerly Invitae), Labcorp
Classification: Uncertain significance for Autosomal recessive limb-girdle muscular dystrophy type 2C. Last evaluated: 2025-10-09. Review status: criteria provided, single submitter. Criteria: Invitae Variant Classification Sherloc (09022015). Collection method: clinical testing. Allele origin: germline.
Comment: This sequence change replaces threonine, which is neutral and polar, with alanine, which is neutral and non-polar, at codon 198 of the SGCG protein (p.Thr198Ala). This variant is not present in population databases (gnomAD no frequency). This variant has not been reported in the literature in individuals affected with SGCG-related conditions. Invitae Evidence Modeling of protein sequence and biophysical properties (such as structural, functional, and spatial information, amino acid conservation, physicochemical variation, residue mobility, and thermodynamic stability) indicates that this missense variant is expected to disrupt SGCG protein function with a positive predictive value of 80%. In summary, the available evidence is currently insufficient to determine the role of this variant in disease. Therefore, it has been classified as a Variant of Uncertain Significance.

NM_000231.3(SGCG):c.592A>G (p.Thr198Ala)

Gene: SGCG (sarcoglycan gamma; plus strand). Cytogenetic location: 13q12.12.
Variant type: single nucleotide variant.
Coding change: c.592A>G on transcript NM_000231.3 (MANE Select); coding-DNA position 592, A replaced by G.
Protein change: p.Thr198Ala; replaces threonine 198 with alanine.
Molecular consequence: missense variant.
Genome position (GRCh38, 1-based): chr13:23,320,650, A>G. VCF-style: chr13-23320650-A-G. GRCh37 (hg19) VCF-style: chr13-23894789-A-G.
Other names: c.646A>G, p.Thr216Ala (NM_001378244.1); c.592A>G, p.Thr198Ala (NM_001378245.1, NM_001378246.1); short protein forms T198A, T216A.
Identifiers: ClinVar variation 4690507 (VCV004690507.1).